The following is an entry in ClinVar:

ClinVar aggregate classification (germline): Uncertain significance. Review status: criteria provided, multiple submitters, no conflicts (2 of 4 stars). 4 submissions from 4 submitters: Uncertain significance (4). Last evaluated 2024-09-08.

Conditions:
Cardiovascular phenotype. Identifiers: MedGen CN230736.
Hypertrophic cardiomyopathy. Also called: HYPERTROPHIC MYOCARDIOPATHY. Identifiers: Orphanet 217569, MedGen C0007194, MeSH D002312, MONDO:0005045, HP:0001639.
Hypertrophic cardiomyopathy 8. Also called: CARDIOMYOPATHY, HYPERTROPHIC, MID-LEFT VENTRICULAR CHAMBER TYPE, 1; MYL3-Related Familial Hypertrophic Cardiomyopathy. Identifiers: MedGen C1837471, MONDO:0012111, OMIM 608751.

Allele frequency attached by ClinVar (database versions not stated): gnomAD exomes below 0.00001; TOPMed below 0.00001.
gnomAD v4.1: 1 of 1,614,178 alleles (0.000062%); highest among the groups gnomAD compares: African/African-American, 0.0013%; no homozygotes.

Submissions (4):

Labcorp Genetics (formerly Invitae), Labcorp
Classification: Uncertain significance for Hypertrophic cardiomyopathy. Last evaluated: 2024-09-08. Review status: criteria provided, single submitter. Criteria: Invitae Variant Classification Sherloc (09022015). Collection method: clinical testing. Allele origin: germline.
Comment: This sequence change falls in intron 3 of the MYL3 gene. It does not directly change the encoded amino acid sequence of the MYL3 protein. It affects a nucleotide within the consensus splice site. This variant is not present in population databases (gnomAD no frequency). This variant has not been reported in the literature in individuals affected with MYL3-related conditions. ClinVar contains an entry for this variant (Variation ID: 1011968). Variants that disrupt the consensus splice site are a relatively common cause of aberrant splicing (PMID: 17576681, 9536098). Algorithms developed to predict the effect of sequence changes on RNA splicing suggest that this variant is not likely to affect RNA splicing. In summary, the available evidence is currently insufficient to determine the role of this variant in disease. Therefore, it has been classified as a Variant of Uncertain Significance.

All of Us Research Program, National Institutes of Health
Classification: Uncertain significance for Hypertrophic cardiomyopathy. Last evaluated: 2023-10-02. Review status: criteria provided, single submitter. Criteria: ACMG Guidelines, 2015. Collection method: clinical testing. Allele origin: germline. Inheritance: Autosomal dominant inheritance. Observed: 1 variant allele, 1 heterozygote.
Comment: This variant causes a C to T nucleotide substitution at the -3 position of intron 3 of the MYL3 gene. To our knowledge, functional studies have not been reported for this variant. This variant has not been reported in individuals affected with MYL3-related disorders in the literature. This variant has not been identified in the general population by the Genome Aggregation Database (gnomAD). The available evidence is insufficient to determine the role of this variant in disease conclusively. Therefore, this variant is classified as a Variant of Uncertain Significance.

This study involves interpretation of variants in research participants for the purpose of population health screening. Participant phenotype was not available at the time of variant classification. Additional details can be found in publication PMID: 35346344, PMCID: PMC8962531

Fulgent Genetics
Classification: Uncertain significance for Hypertrophic cardiomyopathy 8. Last evaluated: 2021-08-31. Review status: criteria provided, single submitter. Criteria: ACMG Guidelines, 2015. Collection method: clinical testing. Allele origin: unknown.

Ambry Genetics
Classification: Uncertain significance for Cardiovascular phenotype. Last evaluated: 2020-01-23. Review status: criteria provided, single submitter. Criteria: Ambry Variant Classification Scheme 2023. Collection method: clinical testing. Allele origin: germline.
Comment: The c.308-3C>T intronic variant results from a C to T substitution 3 nucleotides upstream from coding exon 4 in the MYL3 gene. This nucleotide position is highly conserved in available vertebrate species. Using two different splice site prediction tools, this alteration is predicted by ESEfinder to weaken the efficiency of the native splice acceptor site, but is not predicted to have a deleterious effect on this splice acceptor/donor site by BDGP; however, direct evidence is unavailable. Since supporting evidence is limited at this time, the clinical significance of this alteration remains unclear.

Literature cited by the submitters: PubMed 17576681 (cited by Labcorp Genetics (formerly Invitae), Labcorp); PubMed 9536098 (cited by Labcorp Genetics (formerly Invitae), Labcorp).

NM_000258.3(MYL3):c.308-3C>T

Gene: MYL3 (myosin light chain 3; minus strand). Cytogenetic location: 3p21.31.
Variant type: single nucleotide variant.
Coding change: c.308-3C>T on transcript NM_000258.3 (MANE Select); 3 bases into the intron before coding-DNA position 308, C replaced by T.
Molecular consequence: intron variant.
Genome position (GRCh38, 1-based): chr3:46,859,651, G>A on the plus strand (C>T on the coding strand, the complement: MYL3 is on the minus strand). VCF-style: chr3-46859651-G-A. GRCh37 (hg19) VCF-style: chr3-46901141-G-A.
Identifiers: ClinVar variation 1011968 (VCV001011968.9), dbSNP rs112911997, ClinGen allele CA1362297166.